The following is an entry in ClinVar:

ClinVar aggregate classification (germline): Uncertain significance (1 of 4 stars; one submission).

Conditions:
Inborn genetic diseases. Identifiers: MedGen C0950123, MeSH D030342.

Submission:

Ambry Genetics
Classification: Uncertain significance for Inborn genetic diseases. Last evaluated: 2025-07-18. Review status: criteria provided, single submitter. Criteria: Ambry Variant Classification Scheme 2023. Collection method: clinical testing. Allele origin: germline.
Comment: The p.S25R variant (also known as c.73A>C), located in coding exon 1 of the SAMD9 gene, results from an A to C substitution at nucleotide position 73. The serine at codon 25 is replaced by arginine, an amino acid with dissimilar properties. This amino acid position is conserved. In addition, this alteration is predicted to be tolerated by in silico analysis. Based on the available evidence, the clinical significance of this variant remains unclear.

NM_017654.4(SAMD9):c.73A>C (p.Ser25Arg)

Gene: SAMD9 (sterile alpha motif domain containing 9; minus strand). Cytogenetic location: 7q21.2.
Variant type: single nucleotide variant.
Coding change: c.73A>C on transcript NM_017654.4 (MANE Select); coding-DNA position 73, A replaced by C.
Protein change: p.Ser25Arg; replaces serine 25 with arginine.
Molecular consequence: missense variant.
Genome position (GRCh38, 1-based): chr7:93,106,025, T>G on the plus strand (A>C on the coding strand, the complement: SAMD9 is on the minus strand). VCF-style: chr7-93106025-T-G. GRCh37 (hg19) VCF-style: chr7-92735338-T-G.
Other names: c.73A>C, p.Ser25Arg (NM_001193307.2); short protein forms S25R.
Identifiers: ClinVar variation 4159089 (VCV004159089.1).